The following is an entry in ClinVar:

NM_015512.5(DNAH1):c.12148A>C (p.Lys4050Gln)

Gene: DNAH1 (dynein axonemal heavy chain 1; plus strand). Cytogenetic location: 3p21.1.
Variant type: single nucleotide variant.
Coding change: c.12148A>C on transcript NM_015512.5 (MANE Select); coding-DNA position 12148, A replaced by C.
Protein change: p.Lys4050Gln; replaces lysine 4050 with glutamine.
Molecular consequence: missense variant.
Genome position (GRCh38, 1-based): chr3:52,398,908, A>C. VCF-style: chr3-52398908-A-C. GRCh37 (hg19) VCF-style: chr3-52432924-A-C.
Other names: short protein forms K4050Q.
Identifiers: ClinVar variation 2178516 (VCV002178516.1), dbSNP rs1253204848, ClinGen allele CA353085137.

ClinVar aggregate classification (germline): Uncertain significance (1 of 4 stars; one submission).

Conditions:
Spermatogenic failure 18. Identifiers: MedGen C4539783, MONDO:0054615, OMIM 617576.
Ciliary dyskinesia, primary, 37 (CILD37). Also called: CILIARY DYSKINESIA, PRIMARY, 37, WITH OR WITHOUT SITUS INVERSUS. Identifiers: MedGen C4539798, MONDO:0033204, OMIM 617577.

Allele frequency attached by ClinVar (database versions not stated): gnomAD exomes below 0.00001; gnomAD 0.00001; TOPMed 0.00001.
gnomAD v4.1: 8 of 1,607,022 alleles (0.0005%); highest among the groups gnomAD compares: Non-Finnish European, 0.00068%; no homozygotes.

Submission:

Labcorp Genetics (formerly Invitae), Labcorp
Classification: Uncertain significance for Ciliary dyskinesia, primary, 37; Spermatogenic failure 18. Last evaluated: 2022-07-09. Review status: criteria provided, single submitter. Criteria: Invitae Variant Classification Sherloc (09022015). Collection method: clinical testing. Allele origin: germline.
Comment: This sequence change replaces lysine, which is basic and polar, with glutamine, which is neutral and polar, at codon 4050 of the DNAH1 protein (p.Lys4050Gln). This variant is present in population databases (no rsID available, gnomAD 0.0009%). This variant has not been reported in the literature in individuals affected with DNAH1-related conditions. Algorithms developed to predict the effect of missense changes on protein structure and function are either unavailable or do not agree on the potential impact of this missense change (SIFT: "Deleterious"; PolyPhen-2: "Possibly Damaging"; Align-GVGD: "Class C0"). In summary, the available evidence is currently insufficient to determine the role of this variant in disease. Therefore, it has been classified as a Variant of Uncertain Significance.